The following is an entry in ClinVar:

NM_001004334.4(GPR179):c.36G>A (p.Met12Ile)

Gene: GPR179 (G protein-coupled receptor 179; minus strand). Cytogenetic location: 17q12.
Variant type: single nucleotide variant.
Coding change: c.36G>A on transcript NM_001004334.4 (MANE Select); coding-DNA position 36, G replaced by A.
Protein change: p.Met12Ile; replaces methionine 12 with isoleucine.
Molecular consequence: missense variant.
Genome position (GRCh38, 1-based): chr17:38,343,754, C>T on the plus strand (G>A on the coding strand, the complement: GPR179 is on the minus strand). VCF-style: chr17-38343754-C-T. GRCh37 (hg19) VCF-style: chr17-36499637-C-T.
Other names: short protein forms M12I.
Identifiers: ClinVar variation 1960873 (VCV001960873.5), dbSNP rs1390432759, ClinGen allele CA398890042.

ClinVar aggregate classification (germline): Uncertain significance (1 of 4 stars; one submission).

Allele frequency attached by ClinVar (database versions not stated): gnomAD exomes 0.00001.

Submission:

Labcorp Genetics (formerly Invitae), Labcorp
Classification: Uncertain significance. Last evaluated: 2022-02-22. Review status: criteria provided, single submitter. Criteria: Invitae Variant Classification Sherloc (09022015). Collection method: clinical testing. Allele origin: germline.
Comment: Algorithms developed to predict the effect of missense changes on protein structure and function output the following: SIFT: "Tolerated"; PolyPhen-2: "Benign"; Align-GVGD: "Class C0". The isoleucine amino acid residue is found in multiple mammalian species, which suggests that this missense change does not adversely affect protein function. In summary, the available evidence is currently insufficient to determine the role of this variant in disease. Therefore, it has been classified as a Variant of Uncertain Significance. This variant has not been reported in the literature in individuals affected with GPR179-related conditions. This variant is present in population databases (no rsID available, gnomAD 0.006%). This sequence change replaces methionine, which is neutral and non-polar, with isoleucine, which is neutral and non-polar, at codon 12 of the GPR179 protein (p.Met12Ile).